The following is an entry in ClinVar:

NM_001040142.2(SCN2A):c.2057G>T (p.Ser686Ile)

Gene: SCN2A (sodium voltage-gated channel alpha subunit 2; plus strand). Cytogenetic location: 2q24.3.
Variant type: single nucleotide variant.
Coding change: c.2057G>T on transcript NM_001040142.2 (MANE Select); coding-DNA position 2057, G replaced by T.
Protein change: p.Ser686Ile; replaces serine 686 with isoleucine.
Molecular consequence: missense variant.
Genome position (GRCh38, 1-based): chr2:165,326,892, G>T. VCF-style: chr2-165326892-G-T. GRCh37 (hg19) VCF-style: chr2-166183402-G-T.
Other names: p.S686I:AGT>ATT; c.2057G>T, p.Ser686Ile (NM_001040143.2, NM_001371246.1, NM_001371247.1 and 1 more transcripts); short protein forms S686I.
Identifiers: ClinVar variation 207072 (VCV000207072.8), dbSNP rs796053190, ClinGen allele CA318168.
Genomic context (GRCh38, chr2:165,326,892, plus strand): 5'-ATCTGAAATTCTACTTCTAGGGCACAACTACTGAAACAGAAATAAGAAAGAGACGGTCCA[G>T]TTCTTATCATGTTTCCATGGATTTATTGGAAGATCCTACATCAAGGCAAAGAGCAATGAG-3'
Protein context (NP_001035232.1, residues 676-696): TETEIRKRRS[Ser686Ile]SYHVSMDLLE

ClinVar aggregate classification (germline): Uncertain significance. Review status: criteria provided, multiple submitters, no conflicts (2 of 4 stars). 3 submissions from 3 submitters: Uncertain significance (3). Last evaluated 2024-05-20.

Conditions:
Developmental and epileptic encephalopathy, 11 (DEE11). Also called: Early infantile epileptic encephalopathy 11. Identifiers: Orphanet 1934, MedGen C3150987, MONDO:0013388, OMIM 613721.
Seizures, benign familial infantile, 3 (BFIS3). Also called: CONVULSIONS, BENIGN FAMILIAL INFANTILE, 3; Familial neonatal seizures. Identifiers: Orphanet 140927, Orphanet 306, MedGen C1843140, MONDO:0011904, OMIM 607745.

Allele frequency attached by ClinVar (database versions not stated): gnomAD exomes below 0.00001.
gnomAD v4.1: 2 of 1,613,920 alleles (0.00012%); highest among the groups gnomAD compares: Middle Eastern, 0.017%; no homozygotes.

Submissions (3):

Labcorp Genetics (formerly Invitae), Labcorp
Classification: Uncertain significance for Seizures, benign familial infantile, 3; Developmental and epileptic encephalopathy, 11. Last evaluated: 2024-05-20. Review status: criteria provided, single submitter. Criteria: Invitae Variant Classification Sherloc (09022015). Collection method: clinical testing. Allele origin: germline.
Comment: This sequence change replaces serine, which is neutral and polar, with isoleucine, which is neutral and non-polar, at codon 686 of the SCN2A protein (p.Ser686Ile). This variant is not present in population databases (gnomAD no frequency). This variant has not been reported in the literature in individuals affected with SCN2A-related conditions. ClinVar contains an entry for this variant (Variation ID: 207072). Advanced modeling of protein sequence and biophysical properties (such as structural, functional, and spatial information, amino acid conservation, physicochemical variation, residue mobility, and thermodynamic stability) performed at Invitae indicates that this missense variant is expected to disrupt SCN2A protein function with a positive predictive value of 95%. In summary, the available evidence is currently insufficient to determine the role of this variant in disease. Therefore, it has been classified as a Variant of Uncertain Significance.

Breda Genetics srl
Classification: Uncertain significance for Developmental and epileptic encephalopathy, 11. Last evaluated: 2021-07-20. Review status: criteria provided, single submitter. Criteria: ACMG Guidelines, 2015. Collection method: clinical testing. Allele origin: germline. Inheritance: Autosomal dominant inheritance. Affected: yes. Observed: 1 variant allele, 1 heterozygote.
Comment: A heterozygous variant in exon 13 of the SCN2A gene, c.2057G>T (p.Ser686Ile), rs796053190, reference transcript NM_001040142.2 is reported as uncertain in ClinVar (Variation ID: 207072). There is no information on frequency in gnomAD. The nucleotide position is conserved across 35 mammalian species (GERP RS: 4.9). In silico analysis indicates that the variant might be damaging. Based on ACMG variant interpretation guidelines, we classify this variant as uncertain. However, based on the aforementioned evidence and the clinical phenotype, we think there is a given likelihood that the variant may actually be pathogenic.

GeneDx
Classification: Uncertain significance. Last evaluated: 2013-05-16. Review status: criteria provided, single submitter. Criteria: GeneDx Variant Classification (06012015). Collection method: clinical testing. Allele origin: germline. Affected: yes.
Comment: The Ser686Ile missense change has not been published as a mutation, nor has it been reported as a benign polymorphism to our knowledge. It was not observed in approximately 6,500 individuals of European and African American ancestry in the NHLBI Exome Sequencing Project, indicating it is not a common benign variant in these populations. Ser686Ile is a non-conservative amino acid substitution as a polar Serine residue is replaced by a non-polar Isoleucine residue. It alters a poorly conserved position in the cytoplasmic loop between the 1st and 2nd transmembrane domains; however, another missense mutation associated with epilepsy has been reported in this domain. In silico analysis is inconsistent with regard to the effect this variant may have on the protein structure/function. The variant is found in EPILEPSY panel(s).